The following is an entry in ClinVar:

ClinVar aggregate classification (germline): Likely pathogenic (1 of 4 stars; one submission).

Conditions:
Atypical hemolytic-uremic syndrome. Identifiers: Orphanet 2134, MedGen C2931788, MONDO:0016244.

Submission:

Genomenon, Inc
Classification: Likely pathogenic for Atypical hemolytic-uremic syndrome. Last evaluated: 2025-09-30. Review status: criteria provided, single submitter. Criteria: Genomenon Sequence Variant Interpretation Standards. Collection method: curation. Allele origin: germline. Affected: yes.
Comment: C3 p.Trp1034Arg (c.3100T>C) is a missense variant that changes the amino acid at residue 1034 from Tryptophan to Arginine. This variant has been observed in at least one proband affected with atypical hemolytic-uremic syndrome (PMID:37795781;27799617;33841858). The variant was found to segregate with disease in at least one affected family (PMID:37795781). Functional studies have been reported; however, the significance of the findings remain unclear (PMID:37795781;25608561). It is absent or not present at a significant frequency in gnomAD. In silico models agree that this variant is possibly or probably damaging. In conclusion, we classify C3 p.Trp1034Arg (c.3100T>C) as a likely pathogenic variant.

Literature cited by the submitters: PubMed 37795781; PubMed 27799617; PubMed 33841858; PubMed 25608561.

NM_000064.4(C3):c.3100T>C (p.Trp1034Arg)

Gene: C3 (complement C3; minus strand). Cytogenetic location: 19p13.3.
Variant type: single nucleotide variant.
Coding change: c.3100T>C on transcript NM_000064.4 (MANE Select); coding-DNA position 3100, T replaced by C.
Protein change: p.Trp1034Arg; replaces tryptophan 1034 with arginine.
Molecular consequence: missense variant.
Genome position (GRCh38, 1-based): chr19:6,694,485, A>G on the plus strand (T>C on the coding strand, the complement: C3 is on the minus strand). VCF-style: chr19-6694485-A-G. GRCh37 (hg19) VCF-style: chr19-6694496-A-G.
Other names: short protein forms W1034R.
Identifiers: ClinVar variation 4280185 (VCV004280185.1).
Genomic context (GRCh38, chr19:6,694,485, plus strand): 5'-GCCCACCCTTCTTGATGAGCTCCAAGGCCCCCTGCCGCTTCTCTAGGCCGAACTTCTCCC[A>G]CTGCTCCGTTTCATCCAGGTAATGCACAGCGATGACCGTGGGCGTCATGCCGATCATGTT-3'
Protein context (NP_000055.2, residues 1024-1044): AVHYLDETEQ[Trp1034Arg]EKFGLEKRQG